The following is an entry in ClinVar:

NM_002519.3(NPAT):c.676C>T (p.His226Tyr)

Gene: NPAT (nuclear protein, coactivator of histone transcription; minus strand). Cytogenetic location: 11q22.3.
Variant type: single nucleotide variant.
Coding change: c.676C>T on transcript NM_002519.3 (MANE Select); coding-DNA position 676, C replaced by T.
Protein change: p.His226Tyr; replaces histidine 226 with tyrosine.
Molecular consequence: missense variant.
Genome position (GRCh38, 1-based): chr11:108,186,532, G>A on the plus strand (C>T on the coding strand, the complement: NPAT is on the minus strand). VCF-style: chr11-108186532-G-A. GRCh37 (hg19) VCF-style: chr11-108057259-G-A.
Other names: c.676C>T, p.His226Tyr (NM_001321307.1); short protein forms H226Y.
Identifiers: ClinVar variation 2587656 (VCV002587656.2), dbSNP rs1385276980, ClinGen allele CA382522381.

ClinVar aggregate classification (germline): Uncertain significance (1 of 4 stars; one submission).

Allele frequency attached by ClinVar (database versions not stated): TOPMed below 0.00001.

Submission:

Ambry Genetics
Classification: Uncertain significance. Last evaluated: 2023-08-24. Review status: criteria provided, single submitter. Criteria: Ambry Variant Classification Scheme 2023. Collection method: clinical testing. Allele origin: germline.
Comment: The p.H226Y variant (also known as c.676C>T), located in coding exon 8 of the NPAT gene, results from a C to T substitution at nucleotide position 676. The histidine at codon 226 is replaced by tyrosine, an amino acid with similar properties. This amino acid position is conserved. In addition, this alteration is predicted to be tolerated by in silico analysis. Since supporting evidence is limited at this time, the clinical significance of this alteration remains unclear.